The following is an entry in ClinVar:

NM_014014.5(SNRNP200):c.4072A>G (p.Ile1358Val)

Gene: SNRNP200 (small nuclear ribonucleoprotein U5 subunit 200; minus strand). Cytogenetic location: 2q11.2.
Variant type: single nucleotide variant.
Coding change: c.4072A>G on transcript NM_014014.5 (MANE Select); coding-DNA position 4072, A replaced by G.
Protein change: p.Ile1358Val; replaces isoleucine 1358 with valine.
Molecular consequence: missense variant.
Genome position (GRCh38, 1-based): chr2:96,285,272, T>C on the plus strand (A>G on the coding strand, the complement: SNRNP200 is on the minus strand). VCF-style: chr2-96285272-T-C. GRCh37 (hg19) VCF-style: chr2-96951010-T-C.
Other names: c.4072A>G (NM_014014.4); short protein forms I1358V.
Identifiers: ClinVar variation 1909553 (VCV001909553.7), dbSNP rs1573992736, ClinGen allele CA347669081.
Genomic context (GRCh38, chr2:96,285,272, plus strand): 5'-ACACACAGCGCCCCTCCGAGCTCTGCAGCAGCATTCGCAGGATGGCAAACTCTGCACAAA[T>C]AGTCTTCCCGCTGCCCGTGGGGGCCCCCACAAACACGTTGTCGTCACTGTTGTATACAGT-3'
Protein context (NP_054733.2, residues 1348-1368): VGAPTGSGKT[Ile1358Val]CAEFAILRML

ClinVar aggregate classification (germline): Conflicting classifications of pathogenicity. Review status: criteria provided, conflicting classifications (1 of 4 stars). 3 submissions from 3 submitters: Uncertain significance (2); Benign (1). Last evaluated 2025-10-25.

Conditions:
Retinal dystrophy. Also called: Inherited retinal dystrophy. Identifiers: Orphanet 71862, MedGen C0854723, MeSH D058499, MONDO:0019118, HP:0000556.
SNRNP200-related disorder. Also called: SNRNP200-related condition.

Allele frequency attached by ClinVar (database versions not stated): gnomAD 0.00001; TOPMed 0.00001; gnomAD exomes 0.00008.
gnomAD v4.1: 112 of 1,613,992 alleles (0.0069%); highest among the groups gnomAD compares: East Asian, 0.051%; no homozygotes.

Submissions (3):

Labcorp Genetics (formerly Invitae), Labcorp
Classification: Uncertain significance. Last evaluated: 2025-10-25. Review status: criteria provided, single submitter. Criteria: Invitae Variant Classification Sherloc (09022015). Collection method: clinical testing. Allele origin: germline.
Comment: This sequence change replaces isoleucine, which is neutral and non-polar, with valine, which is neutral and non-polar, at codon 1358 of the SNRNP200 protein (p.Ile1358Val). This variant is not present in population databases (gnomAD no frequency). This variant has not been reported in the literature in individuals affected with SNRNP200-related conditions. ClinVar contains an entry for this variant (Variation ID: 1909553). Invitae Evidence Modeling of protein sequence and biophysical properties (such as structural, functional, and spatial information, amino acid conservation, physicochemical variation, residue mobility, and thermodynamic stability) indicates that this missense variant is not expected to disrupt SNRNP200 protein function with a negative predictive value of 95%. In summary, the available evidence is currently insufficient to determine the role of this variant in disease. Therefore, it has been classified as a Variant of Uncertain Significance.

PreventionGenetics, part of Exact Sciences
Classification: Uncertain significance for SNRNP200-related condition. Last evaluated: 2025-04-25. Review status: criteria provided, single submitter. Criteria: ACMG Guidelines, 2015. Collection method: clinical testing. Allele origin: germline.
Comment: The SNRNP200 c.4072A>G variant is predicted to result in the amino acid substitution p.Ile1358Val. To our knowledge, this variant has not been reported in the literature or in a large population database (gnomAD), indicating this variant is rare. At this time, the clinical significance of this variant is uncertain due to the absence of conclusive functional and genetic evidence.

Dept Of Ophthalmology, Nagoya University
Classification: Benign for Retinal dystrophy. Last evaluated: 2023-10-01. Review status: criteria provided, single submitter. Criteria: Submitter's publication. Collection method: research. Allele origin: germline. Affected: yes.